The following is an entry in ClinVar:

ClinVar aggregate classification (germline): Pathogenic (1 of 4 stars; one submission).

Conditions:
Thyroid hormone metabolism, abnormal 1 (THMA1). Also called: Short stature-delayed bone age due to thyroid hormone metabolism deficiency. Identifiers: Orphanet 171706, MedGen C5676891, MONDO:0800046, OMIM 609698.

Submission:

Women's Health and Genetics/Laboratory Corporation of America, LabCorp
Classification: Pathogenic for Thyroid hormone metabolism, abnormal 1. Last evaluated: 2023-08-03. Review status: criteria provided, single submitter. Criteria: LabCorp Variant Classification Summary - May 2015. Collection method: clinical testing. Allele origin: germline.
Comment: Variant summary: SECISBP2 c.1156_1159delGAAA (p.Glu386AsnfsX9) results in a premature termination codon, predicted to cause a truncation of the encoded protein or absence of the protein due to nonsense mediated decay, which are commonly known mechanisms for disease. The variant allele was found at a frequency of 2.4e-05 in 250354 control chromosomes (gnomAD). To our knowledge, no occurrence of c.1156_1159delGAAA in individuals affected with Thyroid Hormone Metabolism, Abnormal 1 and no experimental evidence demonstrating its impact on protein function have been reported. No submitters have cited clinical-significance assessments for this variant to ClinVar after 2014. Based on the evidence outlined above, the variant was classified as pathogenic.

NM_024077.5(SECISBP2):c.1156_1159del (p.Glu386fs)

Gene: SECISBP2 (SECIS binding protein 2; plus strand). Cytogenetic location: 9q22.2.
Variant type: Microsatellite.
Coding change: c.1156_1159del on transcript NM_024077.5 (MANE Select); coding-DNA positions 1156 to 1159, 4 bases deleted (GAAA; older notation c.1156_1159delGAAA).
Protein change: p.Glu386fs; shifts the reading frame from glutamic acid 386.
Molecular consequence: frameshift variant.
Genome position (GRCh38, 1-based): chr9:89,338,524-89,338,527, GAAA deleted; deleting any 4 consecutive bases within chr9:89,338,517-89,338,527 gives the same sequence; the c. name uses the placement nearest the transcript's 3' end. VCF-style (leftmost placement, unchanged base first): chr9-89338516-AAAAG-A. GRCh37 (hg19) VCF-style: chr9-91953431-AAAAG-A.
Other names: c.1153_1156del, p.Glu385fs (NM_001282688.2); c.937_940del, p.Glu313fs (NM_001282689.2); c.952_955del, p.Glu318fs (NM_001282690.1); c.1039_1042del, p.Glu347fs (NM_001354696.2, NM_001354698.2); c.1042_1045del, p.Glu348fs (NM_001354697.2); c.271_274del, p.Glu91fs (NM_001354702.2); short protein forms E313fs, E318fs, E347fs, E348fs, E385fs, E386fs, E91fs.
Identifiers: ClinVar variation 2581403 (VCV002581403.1), dbSNP rs763144937, ClinGen allele CA5117332.